The following is an entry in ClinVar:

NM_000161.3(GCH1):c.626+1G>A

Gene: GCH1 (GTP cyclohydrolase 1; minus strand). Cytogenetic location: 14q22.2.
Variant type: single nucleotide variant.
Coding change: c.626+1G>A on transcript NM_000161.3 (MANE Select); the canonical splice donor site of the intron after coding-DNA position 626, G replaced by A.
Molecular consequence: splice donor variant.
Genome position (GRCh38, 1-based): chr14:54,845,767, C>T on the plus strand (G>A on the coding strand, the complement: GCH1 is on the minus strand). VCF-style: chr14-54845767-C-T. GRCh37 (hg19) VCF-style: chr14-55312485-C-T.
Other names: IVS5, G-A, +1; c.626+1G>A (NM_001024071.2, NM_001024070.2, NM_001024024.2).
Identifiers: ClinVar variation 529415 (VCV000529415.59), dbSNP rs1555358507, ClinGen allele CA389787258.

ClinVar aggregate classification (germline): Pathogenic/Likely pathogenic. Review status: criteria provided, multiple submitters, no conflicts (2 of 4 stars). 7 submissions from 7 submitters: Pathogenic (5); Likely pathogenic (1). 1 of the submissions does not count toward it. Last evaluated 2026-06-01.

Conditions:
Dystonia 5 (DRD). Also called: GTP Cyclohydrolase 1-Deficient Dopa-Responsive Dystonia; Dystonia, DOPA-responsive, with or without hyperphenylalaninemia; DYT-GCH1; DYSTONIA, PROGRESSIVE, WITH DIURNAL VARIATION; DYSTONIA-PARKINSONISM WITH DIURNAL FLUCTUATION. Identifiers: Orphanet 98808, MedGen C1851920, MONDO:0007495, OMIM 128230.
GTP cyclohydrolase I deficiency. Identifiers: MedGen C0268467, MONDO:0100184.

Submissions (7):

CeGaT Center for Human Genetics Tuebingen
Classification: Pathogenic. Last evaluated: 2026-06-01. Review status: criteria provided, single submitter. Criteria: CeGaT Center For Human Genetics Tuebingen Variant Classification Criteria Version 2. Collection method: clinical testing. Allele origin: germline. Affected: yes. Observed: 4 variant alleles.
Comment: GCH1: PS4, PVS1:Strong, PM2

3billion
Classification: Pathogenic for Dystonia 5. Last evaluated: 2025-06-11. Review status: criteria provided, single submitter. Criteria: ACMG Guidelines, 2015. Collection method: clinical testing. Allele origin: germline. Affected: yes.
Comment: The variant is not observed in the gnomAD v4.1.0 dataset. Predicted Consequence/Location: Canonical splice site: predicted to alter splicing and result in a loss or disruption of normal protein function. The predicted truncated protein may be shortened by more than 10%. In silico tools predict the variant to alter splicing and produce an abnormal transcript [SpliceAI: 0.83 (spliceogenicity >=0.2, non-spliceogenicity <0.1)]. The variant has been reported at least twice as pathogenic with clinical assertions and evidence for the classification (ClinVar ID: VCV000529415 /PMID: 9749603 /3billion dataset). Therefore, this variant is classified as Pathogenic according to the recommendation of ACMG/AMP guideline.

Labcorp Genetics (formerly Invitae), Labcorp
Classification: Pathogenic for GTP cyclohydrolase I deficiency; Dystonia 5. Last evaluated: 2024-09-23. Review status: criteria provided, single submitter. Criteria: Invitae Variant Classification Sherloc (09022015). Collection method: clinical testing. Allele origin: germline.
Comment: This sequence change affects a donor splice site in intron 5 of the GCH1 gene. RNA analysis indicates that disruption of this splice site induces altered splicing and likely disrupts the C-terminus of the protein. This variant is not present in population databases (gnomAD no frequency). Disruption of this splice site has been observed in individuals with dystonia (PMID: 9749603, 17101830, 19491146). ClinVar contains an entry for this variant (Variation ID: 529415). Variants that disrupt the consensus splice site are a relatively common cause of aberrant splicing (PMID: 17576681, 9536098). Studies have shown that disruption of this splice site results in skipping of exon 5 and introduces a new termination codon (PMID: 9749603). However the mRNA is not expected to undergo nonsense-mediated decay. For these reasons, this variant has been classified as Pathogenic.

Illumina Laboratory Services, Illumina
Classification: Pathogenic. Last evaluated: 2022-09-27. Review status: criteria provided, single submitter. Criteria: ICSL CNVClassificationCriteria Aug2020. Collection method: clinical testing. Allele origin: unknown. Affected: yes.
Comment: The GCH1 c.626+1G>A variant, also referred to as IVS5+1G>A, results in the substitution of a guanine within the consensus splice donor site with an adenine, which may result in splicing defects. Across a selection of the available literature, the c.626+1G>A variant has been identified in a heterozygous state in at least six individuals with dopa-responsive dystonia (PMID: 11486899; PMID: 19491146; PMID: 20937667; PMID: 28958832; PMID: 33875303). At least one additional variant, c.626+1G>C, has been reported at the same position in affected individuals (PMID: 24993959; PMID: 35041927). The c.626+1G>A variant is not found in version 2.1.1 or version 3.1.2 of the Genome Aggregation Database. Analysis of cDNA using electrophoresis and additional sequencing demonstrated that this splice variant was associated with skipping exon 5 and a truncated protein product (PMID: 11486899). Based on the available evidence, the c.626+1G>A variant is classified as pathogenic for GTP cyclohydrolase I deficiency.

Revvity Omics, Revvity
Classification: Likely pathogenic. Last evaluated: 2022-05-18. Review status: criteria provided, single submitter. Criteria: ACMG Guidelines, 2015. Collection method: clinical testing. Allele origin: germline.

Institute of Medical Genetics and Applied Genomics, University Hospital Tübingen
Classification: Pathogenic. Last evaluated: 2020-10-23. Review status: criteria provided, single submitter. Criteria: ACMG Guidelines, 2015. Collection method: clinical testing. Allele origin: germline. Inheritance: Unknown mechanism. Affected: yes.

OMIM
Classification: Pathogenic for DYSTONIA, DOPA-RESPONSIVE. Last evaluated: 2001-06-01. Review status: no assertion criteria provided. Collection method: literature only. Allele origin: germline. Not counted in ClinVar's aggregate classification.

Literature cited by the submitters: PubMed 9749603 (cited by 3billion and Labcorp Genetics (formerly Invitae), Labcorp); PubMed 17101830 (cited by Labcorp Genetics (formerly Invitae), Labcorp); PubMed 19491146 (cited by Labcorp Genetics (formerly Invitae), Labcorp and Illumina Laboratory Services, Illumina); PubMed 17576681 (cited by Labcorp Genetics (formerly Invitae), Labcorp); PubMed 9536098 (cited by Labcorp Genetics (formerly Invitae), Labcorp); PubMed 33875303 (cited by Illumina Laboratory Services, Illumina); PubMed 20937667 (cited by Illumina Laboratory Services, Illumina); PubMed 11486899 (cited by Illumina Laboratory Services, Illumina and OMIM); PubMed 28958832 (cited by Illumina Laboratory Services, Illumina).